The following is an entry in ClinVar:

NM_001199397.3(NEK1):c.552-5T>C

Gene: NEK1 (NIMA related kinase 1; minus strand). Cytogenetic location: 4q33.
Variant type: single nucleotide variant.
Coding change: c.552-5T>C on transcript NM_001199397.3 (MANE Select); 5 bases into the intron before coding-DNA position 552, T replaced by C.
Molecular consequence: intron variant.
Genome position (GRCh38, 1-based): chr4:169,587,618, A>G on the plus strand (T>C on the coding strand, the complement: NEK1 is on the minus strand). VCF-style: chr4-169587618-A-G. GRCh37 (hg19) VCF-style: chr4-170508769-A-G.
Other names: c.552-5T>C (NM_001374421.1, NM_001374420.1, NM_001199399.3 and 7 more transcripts).
Identifiers: ClinVar variation 3356917 (VCV003356917.3).
Genomic context (GRCh38, chr4:169,587,618, plus strand): 5'-CAGCATGTTTAAGTGTACACAGCTCATAAAGGACACACCCCAGAGCCCAAATGTCACTGG[A>G]GAAGATAAAAATGAGAAATTTCCTCTAAGTATTTCAAATTTTTTCATTTAAAGGAAACAC-3'

ClinVar aggregate classification (germline): Likely benign. Review status: criteria provided, single submitter (1 of 4 stars). 2 submissions from 2 submitters: Likely benign (1). 1 of the submissions does not count toward it. Last evaluated 2024-10-30.

Conditions:
Short-rib thoracic dysplasia 6 with or without polydactyly (SRTD6). Also called: Majewski Syndrome; SHORT RIB-POLYDACTYLY SYNDROME, TYPE IIA; SHORT-RIB THORACIC DYSPLASIA 6 WITH POLYDACTYLY; SHORT-RIB THORACIC DYSPLASIA 6 WITHOUT POLYDACTYLY; POLYDACTYLY WITH NEONATAL CHONDRODYSTROPHY, TYPE II. Identifiers: MedGen C0024507, MONDO:0009894, OMIM 263520.
NEK1-related disorder. Also called: NEK1-related condition.

gnomAD v4.1: 19 of 1,524,076 alleles (0.0012%); highest among the groups gnomAD compares: Middle Eastern, 0.068%; no homozygotes.

Submissions (2):

Labcorp Genetics (formerly Invitae), Labcorp
Classification: Likely benign for Short-rib thoracic dysplasia 6 with or without polydactyly. Last evaluated: 2024-10-30. Review status: criteria provided, single submitter. Criteria: Invitae Variant Classification Sherloc (09022015). Collection method: clinical testing. Allele origin: germline.

PreventionGenetics, part of Exact Sciences
Classification: Likely benign for NEK1-related condition. Last evaluated: 2023-05-04. Review status: no assertion criteria provided. Collection method: clinical testing. Allele origin: germline. Not counted in ClinVar's aggregate classification.
Comment: This variant is classified as likely benign based on ACMG/AMP sequence variant interpretation guidelines (Richards et al. 2015 PMID: 25741868, with internal and published modifications).